The following is an entry in ClinVar:

NM_005732.4(RAD50):c.2657A>G (p.Gln886Arg)

Gene: RAD50 (RAD50 double strand break repair protein; plus strand). Cytogenetic location: 5q31.1.
Variant type: single nucleotide variant.
Coding change: c.2657A>G on transcript NM_005732.4 (MANE Select); coding-DNA position 2657, A replaced by G.
Protein change: p.Gln886Arg; replaces glutamine 886 with arginine.
Molecular consequence: missense variant.
Genome position (GRCh38, 1-based): chr5:132,604,938, A>G. VCF-style: chr5-132604938-A-G. GRCh37 (hg19) VCF-style: chr5-131940630-A-G.
Other names: short protein forms Q886R.
Identifiers: ClinVar variation 1794392 (VCV001794392.2), dbSNP rs1750957617, ClinGen allele CA360956759.

ClinVar aggregate classification (germline): Uncertain significance (1 of 4 stars; one submission).

Conditions:
Hereditary cancer-predisposing syndrome. Also called: Tumor predisposition; Hereditary Cancer Syndrome; Neoplastic Syndromes, Hereditary; Hereditary neoplastic syndrome. Identifiers: Orphanet 140162, MedGen C0027672, MeSH D009386, MONDO:0015356.

Allele frequency attached by ClinVar (database versions not stated): TOPMed below 0.00001.

Submission:

Ambry Genetics
Classification: Uncertain significance for Hereditary cancer-predisposing syndrome. Last evaluated: 2022-01-15. Review status: criteria provided, single submitter. Criteria: Ambry Variant Classification Scheme 2023. Collection method: clinical testing. Allele origin: germline.
Comment: The p.Q886R variant (also known as c.2657A>G), located in coding exon 16 of the RAD50 gene, results from an A to G substitution at nucleotide position 2657. The glutamine at codon 886 is replaced by arginine, an amino acid with highly similar properties. This amino acid position is conserved. In addition, the in silico prediction for this alteration is inconclusive. Since supporting evidence is limited at this time, the clinical significance of this alteration remains unclear.